The following is an entry in ClinVar:

NM_002025.4(AFF2):c.1034C>A (p.Thr345Lys)

Gene: AFF2 (ALF transcription elongation factor 2; plus strand). Cytogenetic location: Xq28.
Variant type: single nucleotide variant.
Coding change: c.1034C>A on transcript NM_002025.4 (MANE Select); coding-DNA position 1034, C replaced by A.
Protein change: p.Thr345Lys; replaces threonine 345 with lysine.
Molecular consequence: missense variant.
Genome position (GRCh38, 1-based): chrX:148,662,761, C>A. VCF-style: chrX-148662761-C-A. GRCh37 (hg19) VCF-style: chrX-147744282-C-A.
Other names: c.1022C>A, p.Thr341Lys (NM_001169122.2, NM_001169123.2, NM_001169125.2); c.1034C>A, p.Thr345Lys (NM_001169124.2); short protein forms T341K, T345K.
Identifiers: ClinVar variation 2661600 (VCV002661600.24), dbSNP rs199510763, ClinGen allele CA10536872.

ClinVar aggregate classification (germline): Likely benign (1 of 4 stars; one submission).

Allele frequency attached by ClinVar (database versions not stated): ExAC 0.00001; TOPMed 0.00004; gnomAD 0.00005; gnomAD exomes 0.00006.
gnomAD v4.1: 65 of 1,204,341 alleles (0.0054%); highest among the groups gnomAD compares: Non-Finnish European, 0.0073%; 1 homozygote.

Submission:

CeGaT Center for Human Genetics Tuebingen
Classification: Likely benign. Last evaluated: 2023-03-01. Review status: criteria provided, single submitter. Criteria: CeGaT Center For Human Genetics Tuebingen Variant Classification Criteria Version 2. Collection method: clinical testing. Allele origin: germline. Affected: yes. Observed: 1 variant allele.
Comment: AFF2: BP4, BS2